The following is an entry in ClinVar:

NM_001394062.1(MACF1):c.20742+6C>T

Gene: MACF1 (microtubule actin crosslinking factor 1; plus strand). Cytogenetic location: 1p34.3.
Variant type: single nucleotide variant.
Coding change: c.20742+6C>T on transcript NM_001394062.1 (MANE Select); 6 bases into the intron after coding-DNA position 20742, C replaced by T.
Molecular consequence: intron variant.
Genome position (GRCh38, 1-based): chr1:39,452,818, C>T. VCF-style: chr1-39452818-C-T. GRCh37 (hg19) VCF-style: chr1-39918490-C-T.
Other names: c.14565+6C>T (NM_012090.5); c.8820+6C>T (NM_001397473.1).
Identifiers: ClinVar variation 2137671 (VCV002137671.29), dbSNP rs112384658, ClinGen allele CA784437.

ClinVar aggregate classification (germline): Benign/Likely benign. Review status: criteria provided, multiple submitters, no conflicts (2 of 4 stars). 3 submissions from 3 submitters: Benign (1); Likely benign (2). Last evaluated 2024-11-06.

Allele frequency attached by ClinVar (database versions not stated): gnomAD exomes 0.00006; ExAC 0.00015; 1000 Genomes Project 30x 0.00016; 1000 Genomes Project 0.00020; gnomAD 0.00044; TOPMed 0.00047; ESP Exome Variant Server 0.00069.
gnomAD v4.1: 161 of 1,613,536 alleles (0.01%); highest among the groups gnomAD compares: African/African-American, 0.14%; no homozygotes.

Submissions (3):

Blueprint Genetics
Classification: Likely benign. Last evaluated: 2024-11-06. Review status: criteria provided, single submitter. Criteria: ACMG Guidelines, 2015. Collection method: clinical testing. Allele origin: germline.

Labcorp Genetics (formerly Invitae), Labcorp
Classification: Likely benign. Last evaluated: 2022-08-25. Review status: criteria provided, single submitter. Criteria: Invitae Variant Classification Sherloc (09022015). Collection method: clinical testing. Allele origin: germline.

CeGaT Center for Human Genetics Tuebingen
Classification: Benign. Last evaluated: 2022-07-01. Review status: criteria provided, single submitter. Criteria: CeGaT Center For Human Genetics Tuebingen Variant Classification Criteria Version 2. Collection method: clinical testing. Allele origin: germline. Affected: yes. Observed: 1 variant allele.
Comment: MACF1: BS1, BS2